The following is an entry in ClinVar:

ClinVar aggregate classification (germline): Likely pathogenic (1 of 4 stars; one submission).

Conditions:
Phenylketonuria (PKU). Also called: OLIGOPHRENIA PHENYLPYRUVICA; Phenylketonuria (PKU); Phenylketonurias; FOLLING DISEASE. Identifiers: Orphanet 716, MedGen C0031485, MONDO:0009861, OMIM 261600. Disease mechanism: loss of function.

Submission:

Juno Genomics, Hangzhou Juno Genomics, Inc
Classification: Likely pathogenic for Phenylketonuria. Review status: criteria provided, single submitter. Criteria: ACMG Guidelines, 2015. Collection method: clinical testing. Allele origin: germline.
Comment: Null variant in a gene where loss of function (LOF) is a known mechanism of disease.;Absent from controls (or at extremely low frequency if recessive) in Genome Aggregation Database.

NM_000277.3(PAH):c.580delinsGT (p.Leu194fs)

Gene: PAH (phenylalanine hydroxylase; minus strand). Cytogenetic location: 12q23.2.
Variant type: Indel.
Coding change: c.580delinsGT on transcript NM_000277.3 (MANE Select); coding-DNA position 580, C replaced by GT.
Protein change: p.Leu194fs; shifts the reading frame from leucine 194.
Molecular consequence: frameshift variant.
Genome position (GRCh38, 1-based): chr12:102,855,262, G replaced by AC on the plus strand (C replaced by GT on the coding strand, the reverse complement: PAH is on the minus strand). VCF-style: chr12-102855262-G-AC. GRCh37 (hg19) VCF-style: chr12-103249040-G-AC.
Other names: c.580delinsGT, p.Leu194fs (NM_001354304.2); short protein forms L194fs.
Identifiers: ClinVar variation 5005026 (VCV005005026.2).